The following is an entry in ClinVar:

ClinVar aggregate classification (germline): Uncertain significance. Review status: criteria provided, multiple submitters, no conflicts (2 of 4 stars). 2 submissions from 2 submitters: Uncertain significance (2). Last evaluated 2024-04-01.

Conditions:
Inborn genetic diseases. Identifiers: MedGen C0950123, MeSH D030342.

Allele frequency attached by ClinVar (database versions not stated): TOPMed 0.00002.
gnomAD v4.1: 20 of 1,614,090 alleles (0.0012%); highest among the groups gnomAD compares: Non-Finnish European, 0.0017%; no homozygotes.

Submissions (2):

Labcorp Genetics (formerly Invitae), Labcorp
Classification: Uncertain significance. Last evaluated: 2024-04-01. Review status: criteria provided, single submitter. Criteria: Invitae Variant Classification Sherloc (09022015). Collection method: clinical testing. Allele origin: germline.
Comment: This sequence change replaces threonine, which is neutral and polar, with asparagine, which is neutral and polar, at codon 1972 of the PRPF8 protein (p.Thr1972Asn). This variant is not present in population databases (gnomAD no frequency). This variant has not been reported in the literature in individuals affected with PRPF8-related conditions. ClinVar contains an entry for this variant (Variation ID: 933814). Advanced modeling of protein sequence and biophysical properties (such as structural, functional, and spatial information, amino acid conservation, physicochemical variation, residue mobility, and thermodynamic stability) performed at Invitae indicates that this missense variant is not expected to disrupt PRPF8 protein function with a negative predictive value of 80%. In summary, the available evidence is currently insufficient to determine the role of this variant in disease. Therefore, it has been classified as a Variant of Uncertain Significance.

Ambry Genetics
Classification: Uncertain significance for Inborn genetic diseases. Last evaluated: 2021-12-06. Review status: criteria provided, single submitter. Criteria: Ambry Variant Classification Scheme 2023. Collection method: clinical testing. Allele origin: germline.

NM_006445.4(PRPF8):c.5915C>A (p.Thr1972Asn)

Gene: PRPF8 (pre-mRNA processing factor 8; minus strand). Cytogenetic location: 17p13.3.
Variant type: single nucleotide variant.
Coding change: c.5915C>A on transcript NM_006445.4 (MANE Select); coding-DNA position 5915, C replaced by A.
Protein change: p.Thr1972Asn; replaces threonine 1972 with asparagine.
Molecular consequence: missense variant.
Genome position (GRCh38, 1-based): chr17:1,655,422, G>T on the plus strand (C>A on the coding strand, the complement: PRPF8 is on the minus strand). VCF-style: chr17-1655422-G-T. GRCh37 (hg19) VCF-style: chr17-1558716-G-T.
Other names: short protein forms T1972N.
Identifiers: ClinVar variation 933814 (VCV000933814.8), dbSNP rs1167214600, ClinGen allele CA397569316.